The following is an entry in ClinVar:

ClinVar aggregate classification (germline): Uncertain significance (1 of 4 stars; one submission).

Conditions:
Blepharophimosis - intellectual disability syndrome, MKB type. Also called: X-Linked Ohdo Syndrome (XLOS); BLEPHAROPHIMOSIS-MENTAL RETARDATION SYNDROME, MAAT-KIEVIT-BRUNNER TYPE; Ohdo syndrome, X-linked. Identifiers: Orphanet 293707, MedGen C3698541, MONDO:0010477, OMIM 300895.

Submission:

Juno Genomics, Hangzhou Juno Genomics, Inc
Classification: Uncertain significance for Blepharophimosis - intellectual disability syndrome, MKB type. Review status: criteria provided, single submitter. Criteria: ACMG Guidelines, 2015. Collection method: clinical testing. Allele origin: germline.
Comment: Absent from controls (or at extremely low frequency if recessive) in Genome Aggregation Database.

NM_005120.3(MED12):c.4715T>C (p.Met1572Thr)

Gene: MED12 (mediator complex subunit 12; plus strand). Cytogenetic location: Xq13.1.
Variant type: single nucleotide variant.
Coding change: c.4715T>C on transcript NM_005120.3 (MANE Select); coding-DNA position 4715, T replaced by C.
Protein change: p.Met1572Thr; replaces methionine 1572 with threonine.
Molecular consequence: missense variant.
Genome position (GRCh38, 1-based): chrX:71,134,454, T>C. VCF-style: chrX-71134454-T-C. GRCh37 (hg19) VCF-style: chrX-70354304-T-C.
Other names: short protein forms M1572T.
Identifiers: ClinVar variation 5007591 (VCV005007591.2).